The following is an entry in ClinVar:

ClinVar aggregate classification (germline): Uncertain significance. Review status: criteria provided, multiple submitters, no conflicts (2 of 4 stars). 2 submissions from 2 submitters: Uncertain significance (2). Last evaluated 2024-08-15.

Conditions:
Combined immunodeficiency due to MALT1 deficiency. Also called: Immunodeficiency 12. Identifiers: Orphanet 397964, MedGen C3809583, MONDO:0014197, OMIM 615468.
Inborn genetic diseases. Identifiers: MedGen C0950123, MeSH D030342.

Submissions (2):

Ambry Genetics
Classification: Uncertain significance for Inborn genetic diseases. Last evaluated: 2024-08-15. Review status: criteria provided, single submitter. Criteria: Ambry Variant Classification Scheme 2023. Collection method: clinical testing. Allele origin: germline.

Labcorp Genetics (formerly Invitae), Labcorp
Classification: Uncertain significance for Combined immunodeficiency due to MALT1 deficiency. Last evaluated: 2022-02-08. Review status: criteria provided, single submitter. Criteria: Invitae Variant Classification Sherloc (09022015). Collection method: clinical testing. Allele origin: germline.
Comment: This sequence change replaces valine, which is neutral and non-polar, with isoleucine, which is neutral and non-polar, at codon 442 of the MALT1 protein (p.Val442Ile). In summary, the available evidence is currently insufficient to determine the role of this variant in disease. Therefore, it has been classified as a Variant of Uncertain Significance. Algorithms developed to predict the effect of missense changes on protein structure and function are either unavailable or do not agree on the potential impact of this missense change (SIFT: "Tolerated"; PolyPhen-2: "Probably Damaging"; Align-GVGD: "Class C0"). This variant has not been reported in the literature in individuals affected with MALT1-related conditions. This variant is not present in population databases (gnomAD no frequency).

NM_006785.4(MALT1):c.1324G>A (p.Val442Ile)

Gene: MALT1 (MALT1 paracaspase; plus strand). Cytogenetic location: 18q21.32.
Variant type: single nucleotide variant.
Coding change: c.1324G>A on transcript NM_006785.4 (MANE Select); coding-DNA position 1324, G replaced by A.
Protein change: p.Val442Ile; replaces valine 442 with isoleucine.
Molecular consequence: missense variant.
Genome position (GRCh38, 1-based): chr18:58,733,498, G>A. VCF-style: chr18-58733498-G-A. GRCh37 (hg19) VCF-style: chr18-56400730-G-A.
Other names: c.1291G>A, p.Val431Ile (NM_173844.3); c.1324G>A (NM_006785.2); short protein forms V442I, V431I.
Identifiers: ClinVar variation 2094575 (VCV002094575.5), dbSNP rs2055182689, ClinGen allele CA402574679.